The following is an entry in ClinVar:

ClinVar aggregate classification (germline): Uncertain significance (1 of 4 stars; one submission).

Allele frequency attached by ClinVar (database versions not stated): ExAC 0.00001; gnomAD 0.00001; gnomAD exomes 0.00001.
gnomAD v4.1: 7 of 1,614,014 alleles (0.00043%); highest among the groups gnomAD compares: Admixed American, 0.0083%; no homozygotes.

Submission:

Labcorp Genetics (formerly Invitae), Labcorp
Classification: Uncertain significance. Last evaluated: 2022-05-05. Review status: criteria provided, single submitter. Criteria: Invitae Variant Classification Sherloc (09022015). Collection method: clinical testing. Allele origin: germline.
Comment: In summary, the available evidence is currently insufficient to determine the role of this variant in disease. Therefore, it has been classified as a Variant of Uncertain Significance. Algorithms developed to predict the effect of missense changes on protein structure and function are either unavailable or do not agree on the potential impact of this missense change (SIFT: "Tolerated"; PolyPhen-2: "Possibly Damaging"; Align-GVGD: "Class C0"). This variant has not been reported in the literature in individuals affected with HMCN1-related conditions. This variant is present in population databases (rs770756847, gnomAD 0.009%). This sequence change replaces serine, which is neutral and polar, with asparagine, which is neutral and polar, at codon 4746 of the HMCN1 protein (p.Ser4746Asn).

NM_031935.3(HMCN1):c.14237G>A (p.Ser4746Asn)

Gene: HMCN1 (hemicentin 1; plus strand). Cytogenetic location: 1q31.1.
Variant type: single nucleotide variant.
Coding change: c.14237G>A on transcript NM_031935.3 (MANE Select); coding-DNA position 14237, G replaced by A.
Protein change: p.Ser4746Asn; replaces serine 4746 with asparagine.
Molecular consequence: missense variant.
Genome position (GRCh38, 1-based): chr1:186,144,674, G>A. VCF-style: chr1-186144674-G-A. GRCh37 (hg19) VCF-style: chr1-186113806-G-A.
Other names: short protein forms S4746N.
Identifiers: ClinVar variation 1982761 (VCV001982761.4), dbSNP rs770756847, ClinGen allele CA1294888.